The following is an entry in ClinVar:

NM_001037.5(SCN1B):c.448+348G>T

Gene: SCN1B (sodium voltage-gated channel beta subunit 1; plus strand). Cytogenetic location: 19q13.11.
Variant type: single nucleotide variant.
Coding change: c.448+348G>T on transcript NM_001037.5 (MANE Select); 348 bases into the intron after coding-DNA position 448, G replaced by T.
Molecular consequence: intron variant. On other transcripts: missense variant (1).
Genome position (GRCh38, 1-based): chr19:35,034,087, G>T. VCF-style: chr19-35034087-G-T. GRCh37 (hg19) VCF-style: chr19-35524991-G-T.
Other names: c.796G>T, p.Gly266Cys (NM_199037.5); c.349+348G>T (NM_001321605.2); short protein forms G266C.
Identifiers: ClinVar variation 834497 (VCV000834497.9), dbSNP rs2064233650, ClinGen allele CA405329865.

ClinVar aggregate classification (germline): Uncertain significance (1 of 4 stars; one submission).

Conditions:
Brugada syndrome 5 (BRGDA5). Identifiers: Orphanet 130, Orphanet 871, MedGen C2748541, MONDO:0013015, OMIM 612838.

Allele frequency attached by ClinVar (database versions not stated): gnomAD exomes below 0.00001.
gnomAD v4.1: 1 of 1,551,620 alleles (0.000064%); highest among the groups gnomAD compares: South Asian, 0.0012%; no homozygotes.

Submission:

Labcorp Genetics (formerly Invitae), Labcorp
Classification: Uncertain significance for Brugada syndrome 5. Last evaluated: 2023-05-22. Review status: criteria provided, single submitter. Criteria: Invitae Variant Classification Sherloc (09022015). Collection method: clinical testing. Allele origin: germline.
Comment: In summary, the available evidence is currently insufficient to determine the role of this variant in disease. Therefore, it has been classified as a Variant of Uncertain Significance. Algorithms developed to predict the effect of missense changes on protein structure and function output the following: SIFT: "Not Available"; PolyPhen-2: "Probably Damaging"; Align-GVGD: "Not Available". The cysteine amino acid residue is found in multiple mammalian species, which suggests that this missense change does not adversely affect protein function. ClinVar contains an entry for this variant (Variation ID: 834497). This variant has not been reported in the literature in individuals affected with SCN1B-related conditions. This variant is not present in population databases (gnomAD no frequency). This sequence change replaces glycine, which is neutral and non-polar, with cysteine, which is neutral and slightly polar, at codon 266 of the SCN1B protein (p.Gly266Cys).